The following is an entry in ClinVar:

NM_018136.5(ASPM):c.844A>C (p.Asn282His)

Gene: ASPM (assembly factor for spindle microtubules; minus strand). Cytogenetic location: 1q31.3.
Variant type: single nucleotide variant.
Coding change: c.844A>C on transcript NM_018136.5 (MANE Select); coding-DNA position 844, A replaced by C.
Protein change: p.Asn282His; replaces asparagine 282 with histidine.
Molecular consequence: missense variant.
Genome position (GRCh38, 1-based): chr1:197,143,408, T>G on the plus strand (A>C on the coding strand, the complement: ASPM is on the minus strand). VCF-style: chr1-197143408-T-G. GRCh37 (hg19) VCF-style: chr1-197112538-T-G.
Other names: c.844A>C, p.Asn282His (NM_001206846.2); short protein forms N282H.
Identifiers: ClinVar variation 157893 (VCV000157893.24), dbSNP rs113777932, ClinGen allele CA271124.
Genomic context (GRCh38, chr1:197,143,408, plus strand): 5'-AGTTGGGGGTAAGACTAAGTTTACTATTCTCTCCTCTTTGGCCATTAACATTTACGGAAT[T>G]AAAGGAAGTTTCAGTTACAGCTTTCTCATTAAAAGAAACTTTTGAAACGTTGGCACTGTG-3'
Protein context (NP_060606.3, residues 272-292): NEKAVTETSF[Asn282His]SVNVNGQRGE

ClinVar aggregate classification (germline): Conflicting classifications of pathogenicity. Review status: criteria provided, conflicting classifications (1 of 4 stars). 6 submissions from 6 submitters: Uncertain significance (1); Benign (2); Likely benign (2). 1 of the submissions does not count toward it. Last evaluated 2026-01-06.

Conditions:
ASPM-related disorder. Also called: ASPM-related condition.
Microcephaly 5, primary, autosomal recessive (MCPH5). Also called: ASPM Primary Microcephaly. Identifiers: Orphanet 2512, MedGen C1837501, MONDO:0012106, OMIM 608716.

Allele frequency attached by ClinVar (database versions not stated): TOPMed 0.00082; gnomAD 0.00094 and 0.00066; ExAC 0.00122; gnomAD exomes 0.00141 and 0.00055; 1000 Genomes Project 30x 0.00281; 1000 Genomes Project 0.00339.

Submissions (6):

Labcorp Genetics (formerly Invitae), Labcorp
Classification: Benign. Last evaluated: 2026-01-06. Review status: criteria provided, single submitter. Criteria: Invitae Variant Classification Sherloc (09022015). Collection method: clinical testing. Allele origin: germline.

Illumina Laboratory Services, Illumina
Classification: Likely benign for Microcephaly 5, primary, autosomal recessive. Last evaluated: 2018-01-12. Review status: criteria provided, single submitter. Criteria: ICSL Variant Classification Criteria 13 December 2019. Collection method: clinical testing. Allele origin: germline.
Comment: This variant was observed in the ICSL laboratory as part of a predisposition screen in an ostensibly healthy population. It had not been previously curated by ICSL or reported in the Human Gene Mutation Database (HGMD: prior to June 1st, 2018), and was therefore a candidate for classification through an automated scoring system. Utilizing variant allele frequency, disease prevalence and penetrance estimates, and inheritance mode, an automated score was calculated to assess if this variant is too frequent to cause the disease. Based on the score and internal cut-off values, a variant classified as likely benign is not then subjected to further curation. The score for this variant resulted in a classification of likely benign for this disease.

GeneDx
Classification: Likely benign. Last evaluated: 2017-03-18. Review status: criteria provided, single submitter. Criteria: GeneDx Variant Classification (06012015). Collection method: clinical testing. Allele origin: germline. Affected: yes.
Comment: This variant is considered likely benign or benign based on one or more of the following criteria: it is a conservative change, it occurs at a poorly conserved position in the protein, it is predicted to be benign by multiple in silico algorithms, and/or has population frequency not consistent with disease.

Eurofins Ntd Llc (ga)
Classification: Benign. Last evaluated: 2015-08-06. Review status: criteria provided, single submitter. Criteria: EGL Classification Definitions 2015. Collection method: clinical testing. Allele origin: germline. Observed: 1 variant allele, 1 heterozygote.

Genetic Services Laboratory, University of Chicago
Classification: Uncertain significance for Microcephaly 5, primary, autosomal recessive. Last evaluated: 2013-02-27. Review status: criteria provided, single submitter. Criteria: ACMG Guidelines, 2007. Collection method: clinical testing. Allele origin: germline. Inheritance: Autosomal recessive inheritance.

PreventionGenetics, part of Exact Sciences
Classification: Benign for ASPM-related condition. Last evaluated: 2019-08-20. Review status: no assertion criteria provided. Collection method: clinical testing. Allele origin: germline. Not counted in ClinVar's aggregate classification.
Comment: This variant is classified as benign based on ACMG/AMP sequence variant interpretation guidelines (Richards et al. 2015 PMID: 25741868, with internal and published modifications).